The following is an entry in ClinVar:

ClinVar aggregate classification (germline): Uncertain significance (1 of 4 stars; one submission).

Submission:

Labcorp Genetics (formerly Invitae), Labcorp
Classification: Uncertain significance. Last evaluated: 2021-11-12. Review status: criteria provided, single submitter. Criteria: Invitae Variant Classification Sherloc (09022015). Collection method: clinical testing. Allele origin: germline.
Comment: This variant has not been reported in the literature in individuals affected with PEX3-related conditions. This variant is not present in population databases (gnomAD no frequency). This sequence change replaces asparagine, which is neutral and polar, with aspartic acid, which is acidic and polar, at codon 330 of the PEX3 protein (p.Asn330Asp). In summary, the available evidence is currently insufficient to determine the role of this variant in disease. Therefore, it has been classified as a Variant of Uncertain Significance. Algorithms developed to predict the effect of missense changes on protein structure and function are either unavailable or do not agree on the potential impact of this missense change (SIFT: "Tolerated"; PolyPhen-2: "Probably Damaging"; Align-GVGD: "Class C0").

NM_003630.3(PEX3):c.988A>G (p.Asn330Asp)

Gene: PEX3 (peroxisomal biogenesis factor 3; plus strand). Cytogenetic location: 6q24.2.
Variant type: single nucleotide variant.
Coding change: c.988A>G on transcript NM_003630.3 (MANE Select); coding-DNA position 988, A replaced by G.
Protein change: p.Asn330Asp; replaces asparagine 330 with aspartic acid.
Molecular consequence: missense variant.
Genome position (GRCh38, 1-based): chr6:143,485,198, A>G. VCF-style: chr6-143485198-A-G. GRCh37 (hg19) VCF-style: chr6-143806335-A-G.
Other names: short protein forms N330D.
Identifiers: ClinVar variation 1351006 (VCV001351006.6), dbSNP rs2128748030, ClinGen allele CA365887427.